The following is an entry in ClinVar:

ClinVar aggregate classification (germline): Likely benign. Review status: criteria provided, multiple submitters, no conflicts (2 of 4 stars). 3 submissions from 3 submitters: Likely benign (3). Last evaluated 2023-12-01.

Conditions:
Pitt-Hopkins syndrome (PTHS). Also called: ENCEPHALOPATHY, SEVERE EPILEPTIC, WITH AUTONOMIC DYSFUNCTION; MENTAL RETARDATION, SYNDROMAL, WITH INTERMITTENT HYPERVENTILATION. Identifiers: Orphanet 2896, MedGen C1970431, MONDO:0012589, OMIM 610954.

Allele frequency attached by ClinVar (database versions not stated): gnomAD exomes 0.00001.
gnomAD v4.1: 9 of 1,614,206 alleles (0.00056%); highest among the groups gnomAD compares: African/African-American, 0.0013%; no homozygotes.

Submissions (3):

CeGaT Center for Human Genetics Tuebingen
Classification: Likely benign. Last evaluated: 2023-12-01. Review status: criteria provided, single submitter. Criteria: CeGaT Center For Human Genetics Tuebingen Variant Classification Criteria Version 2. Collection method: clinical testing. Allele origin: germline. Affected: yes. Observed: 2 variant alleles.
Comment: TCF4: PM2:Supporting, BP4, BP7

Blueprint Genetics
Classification: Likely benign. Last evaluated: 2023-08-01. Review status: criteria provided, single submitter. Criteria: ACMG Guidelines, 2015. Collection method: clinical testing. Allele origin: germline.

Labcorp Genetics (formerly Invitae), Labcorp
Classification: Likely benign for Pitt-Hopkins syndrome. Last evaluated: 2022-03-23. Review status: criteria provided, single submitter. Criteria: Invitae Variant Classification Sherloc (09022015). Collection method: clinical testing. Allele origin: germline.

NM_001083962.2(TCF4):c.1503A>G (p.Leu501=)

Gene: TCF4 (transcription factor 4; minus strand). Cytogenetic location: 18q21.2.
Variant type: single nucleotide variant.
Coding change: c.1503A>G on transcript NM_001083962.2 (MANE Select); coding-DNA position 1503, A replaced by G.
Protein change: p.Leu501=; no amino-acid change (leucine 501 retained).
Molecular consequence: synonymous variant.
Genome position (GRCh38, 1-based): chr18:55,232,655, T>C on the plus strand (A>G on the coding strand, the complement: TCF4 is on the minus strand). VCF-style: chr18-55232655-T-C. GRCh37 (hg19) VCF-style: chr18-52899886-T-C.
Other names: c.1809A>G, p.Leu603= (NM_001243226.3); c.1431A>G, p.Leu477= (NM_001243227.2, NM_001306207.1, NM_001348217.1 and 5 more transcripts); c.1521A>G, p.Leu507= (NM_001243228.2); c.1494A>G, p.Leu498= (NM_001243230.2); c.1377A>G, p.Leu459= (NM_001243231.2, NM_001348211.2); c.1290A>G, p.Leu430= (NM_001243232.1, NM_001306208.1); c.1113A>G, p.Leu371= (NM_001243233.2, NM_001330605.3, NM_001348212.2 and 1 more transcripts); c.1023A>G, p.Leu341= (NM_001243234.2, NM_001243235.2, NM_001243236.2 and 1 more transcripts); and 6 more.
Identifiers: ClinVar variation 2115849 (VCV002115849.28), dbSNP rs2511584748, ClinGen allele CA504004429.